The following is an entry in ClinVar:

NM_001267550.2(TTN):c.83315A>T (p.Asn27772Ile)

Genes: TTN (titin; minus strand), TTN-AS1 (TTN antisense RNA 1; plus strand). Cytogenetic location: 2q31.2.
Variant type: single nucleotide variant.
Coding change: c.83315A>T on transcript NM_001267550.2 (MANE Select); coding-DNA position 83315, A replaced by T.
Protein change: p.Asn27772Ile; replaces asparagine 27772 with isoleucine.
Molecular consequence: missense variant.
Genome position (GRCh38, 1-based): chr2:178,562,817, T>A on the plus strand (A>T on the coding strand, the complement: TTN is on the minus strand). VCF-style: chr2-178562817-T-A. GRCh37 (hg19) VCF-style: chr2-179427544-T-A.
Other names: p.N26131I:AAT>ATT; c.78392A>T, p.Asn26131Ile (NM_001256850.1); c.75611A>T, p.Asn25204Ile (NM_133378.4); c.56120A>T, p.Asn18707Ile (NM_003319.4); c.56495A>T, p.Asn18832Ile (NM_133432.3); c.56696A>T, p.Asn18899Ile (NM_133437.4); short protein forms N27772I, N26131I, N25204I, N18832I, N18899I, N18707I.
Identifiers: ClinVar variation 196068 (VCV000196068.39), dbSNP rs578191491, ClinGen allele CA302890.

ClinVar aggregate classification (germline): Conflicting classifications of pathogenicity. Review status: criteria provided, conflicting classifications (1 of 4 stars). 19 submissions from 15 submitters: Uncertain significance (5); Benign (4); Likely benign (6). 4 of the submissions do not count toward it. Last evaluated 2026-09-01.

Conditions:
TTN-related disorder. Also called: TTN-related disorders; TTN-related condition; TTN-related disease.
Cardiovascular phenotype. Identifiers: MedGen CN230736.
Autosomal recessive limb-girdle muscular dystrophy type 2J (LGMDR10). Also called: Limb-girdle muscular dystrophy, type 2J; MUSCULAR DYSTROPHY, LIMB-GIRDLE, AUTOSOMAL RECESSIVE 10. Identifiers: Orphanet 140922, MedGen C1837342, MONDO:0012127, OMIM 608807.
Dilated cardiomyopathy 1G (CMD1G). Identifiers: Orphanet 154, MedGen C1858763, MONDO:0011400, OMIM 604145.
Cardiomyopathy (CMYO). Also called: Cardiomyopathies. Identifiers: Orphanet 167848, MedGen C0878544, MONDO:0004994, HP:0001638. Inheritance: Various modes of inheritance.
Tibial muscular dystrophy (TMD). Also called: Udd Distal Myopathy – Tibial Muscular Dystrophy; UDD MYOPATHY; Tibial muscular dystrophy, tardive. Identifiers: Orphanet 609, MedGen C1838244, MONDO:0010870, OMIM 600334.
Early-onset myopathy with fatal cardiomyopathy (CMYO5). Also called: Salih Myopathy; CONGENITAL MYOPATHY 5 WITH CARDIOMYOPATHY. Identifiers: Orphanet 289377, MedGen C2673677, MONDO:0012714, OMIM 611705. Disease mechanism: loss of function.
Myopathy, myofibrillar, 9, with early respiratory failure (MFM9). Also called: Myopathy, distal, with early respiratory failure, autosomal dominant; EDSTROM MYOPATHY; MYOPATHY, PROXIMAL, WITH EARLY RESPIRATORY MUSCLE INVOLVEMENT; Hereditary myopathy with early respiratory failure. Identifiers: Orphanet 178464, Orphanet 34521, MedGen C1863599, MONDO:0011362, OMIM 603689.

Allele frequency attached by ClinVar (database versions not stated): gnomAD exomes 0.00025 and 0.00057; ExAC 0.00026; 1000 Genomes Project 0.00060; 1000 Genomes Project 30x 0.00062; TOPMed 0.00116; gnomAD 0.00129 and 0.00131.
gnomAD v4.1: 562 of 1,613,114 alleles (0.035%); highest among the groups gnomAD compares: Admixed American, 0.49%; 6 homozygotes.

Submissions (19):

CeGaT Center for Human Genetics Tuebingen
Classification: Likely benign. Last evaluated: 2026-09-01. Review status: criteria provided, single submitter. Criteria: CeGaT Center For Human Genetics Tuebingen Variant Classification Criteria Version 2. Collection method: clinical testing. Allele origin: germline. Affected: yes. Observed: 6 variant alleles.
Comment: TTN: BS2

Labcorp Genetics (formerly Invitae), Labcorp
Classification: Likely benign for Dilated cardiomyopathy 1G; Autosomal recessive limb-girdle muscular dystrophy type 2J. Last evaluated: 2026-02-01. Review status: criteria provided, single submitter. Criteria: Invitae Variant Classification Sherloc (09022015). Collection method: clinical testing. Allele origin: germline.

Molecular Diagnostic Laboratory for Inherited Cardiovascular Disease, Montreal Heart Institute
Classification: Likely benign. Last evaluated: 2025-04-09. Review status: criteria provided, single submitter. Criteria: ACMG Guidelines, 2015. Collection method: clinical testing. Allele origin: germline. Affected: no.
Comment: BS1;BP1

Blueprint Genetics
Classification: Likely benign. Last evaluated: 2024-10-14. Review status: criteria provided, single submitter. Criteria: ACMG Guidelines, 2015. Collection method: clinical testing. Allele origin: germline.

Women's Health and Genetics/Laboratory Corporation of America, LabCorp
Classification: Benign. Last evaluated: 2022-11-29. Review status: criteria provided, single submitter. Criteria: LabCorp Variant Classification Summary - May 2015. Collection method: clinical testing. Allele origin: germline.
Comment: Variant summary: TTN c.75611A>T (p.Asn25204Ile) results in a non-conservative amino acid change located in the A-band region of the encoded protein sequence. Four of four in-silico tools predict a damaging effect of the variant on protein function. The variant allele was found at a frequency of 0.0013 in 150894 control chromosomes, predominantly at a frequency of 0.011 within the Latino subpopulation in the gnomAD database (v3.1, genomes dataset), including 5 homozygotes. The variant, c.75611A>T has been reported in the literature in an individual with muscle weakness (Campuzano_2015), and in several heterozygous individuals with various cardiac phenotypes (Punetha_2016), however without convincing evidence for causality. To our knowledge, no experimental evidence demonstrating an impact on protein function has been reported. Six clinical diagnostic laboratories have submitted clinical-significance assessments for this variant to ClinVar after 2014 without evidence for independent evaluation, and classified the variant as VUS (n=2), likely benign (n=3) / benign (n=1). Based on the evidence outlined above, the variant was classified as benign.

Ambry Genetics
Classification: Benign for Cardiovascular phenotype. Last evaluated: 2020-07-22. Review status: criteria provided, single submitter. Criteria: Ambry Variant Classification Scheme 2023. Collection method: clinical testing. Allele origin: germline.

Eurofins Ntd Llc (ga)
Classification: Likely benign. Last evaluated: 2018-03-06. Review status: criteria provided, single submitter. Criteria: EGL ClinVar v180209 classification definitions. Collection method: clinical testing. Allele origin: germline. Observed: 6 variant alleles, 6 heterozygotes.

Illumina Laboratory Services, Illumina
Classification: Uncertain significance for Autosomal recessive limb-girdle muscular dystrophy type 2J. Last evaluated: 2018-01-13. Review status: criteria provided, single submitter. Criteria: ICSL Variant Classification Criteria 13 December 2019. Collection method: clinical testing. Allele origin: germline.

Illumina Laboratory Services, Illumina
Classification: Benign for Tibial muscular dystrophy. Last evaluated: 2018-01-13. Review status: criteria provided, single submitter. Criteria: ICSL Variant Classification Criteria 13 December 2019. Collection method: clinical testing. Allele origin: germline.
Comment: This variant was observed in the ICSL laboratory as part of a predisposition screen in an ostensibly healthy population. It had not been previously curated by ICSL or reported in the Human Gene Mutation Database (HGMD: prior to June 1st, 2018), and was therefore a candidate for classification through an automated scoring system. Utilizing variant allele frequency, disease prevalence and penetrance estimates, and inheritance mode, an automated score was calculated to assess if this variant is too frequent to cause the disease. Based on the score and internal cut-off values, a variant classified as benign is not then subjected to further curation. The score for this variant resulted in a classification of benign for this disease.

Illumina Laboratory Services, Illumina
Classification: Uncertain significance for Early-onset myopathy with fatal cardiomyopathy. Last evaluated: 2018-01-13. Review status: criteria provided, single submitter. Criteria: ICSL Variant Classification Criteria 13 December 2019. Collection method: clinical testing. Allele origin: germline.

Illumina Laboratory Services, Illumina
Classification: Uncertain significance for Dilated cardiomyopathy 1G. Last evaluated: 2018-01-13. Review status: criteria provided, single submitter. Criteria: ICSL Variant Classification Criteria 13 December 2019. Collection method: clinical testing. Allele origin: germline.

Illumina Laboratory Services, Illumina
Classification: Benign for Myopathy, myofibrillar, 9, with early respiratory failure. Last evaluated: 2018-01-13. Review status: criteria provided, single submitter. Criteria: ICSL Variant Classification Criteria 13 December 2019. Collection method: clinical testing. Allele origin: germline.
Comment: the same text as in the submission from Illumina Laboratory Services, Illumina above.

GeneDx
Classification: Likely benign. Last evaluated: 2018-01-12. Review status: criteria provided, single submitter. Criteria: GeneDx Variant Classification (06012015). Collection method: clinical testing. Allele origin: germline. Affected: yes.
Comment: This variant is considered likely benign or benign based on one or more of the following criteria: it is a conservative change, it occurs at a poorly conserved position in the protein, it is predicted to be benign by multiple in silico algorithms, and/or has population frequency not consistent with disease.

CHEO Genetics Diagnostic Laboratory, Children's Hospital of Eastern Ontario
Classification: Uncertain significance for Cardiomyopathy. Last evaluated: 2017-02-28. Review status: criteria provided, single submitter. Criteria: ACMG Guidelines, 2015. Collection method: clinical testing. Allele origin: germline. Study: Canadian Open Genetics Repository.

Laboratory for Molecular Medicine, Mass General Brigham Personalized Medicine
Classification: Uncertain significance. Last evaluated: 2015-06-11. Review status: criteria provided, single submitter. Criteria: LMM Criteria. Collection method: clinical testing. Allele origin: germline. Observed: 1 variant allele.
Comment: The p.Asn25204Ile variant in TTN has not been previously reported in individuals with cardiomyopathy, but has been identified in 0.1% (14/11202) of Latino chrom osomes by the Exome Aggregation Consortium (ExAC ; dbSNP rs578191491). Computational prediction tools and conservation analysis d o not provide strong support for or against an impact to the protein. In summary , the clinical significance of the p.Asn25204Ile variant is uncertain.

PreventionGenetics, part of Exact Sciences
Classification: Likely benign for TTN-related condition. Last evaluated: 2020-08-12. Review status: no assertion criteria provided. Collection method: clinical testing. Allele origin: germline. Not counted in ClinVar's aggregate classification.
Comment: This variant is classified as likely benign based on ACMG/AMP sequence variant interpretation guidelines (Richards et al. 2015 PMID: 25741868, with internal and published modifications).

Clinical Genetics DNA and cytogenetics Diagnostics Lab, Erasmus MC, Erasmus Medical Center
Classification: Likely benign. Review status: no assertion criteria provided. Collection method: clinical testing. Allele origin: germline. Affected: yes. Study: VKGL Data-share Consensus. Not counted in ClinVar's aggregate classification.

Clinical Genetics, Academic Medical Center
Classification: Benign. Review status: no assertion criteria provided. Collection method: clinical testing. Allele origin: germline. Affected: yes. Study: VKGL Data-share Consensus. Not counted in ClinVar's aggregate classification.

Joint Genome Diagnostic Labs from Nijmegen and Maastricht, Radboudumc and MUMC+
Classification: Likely benign. Review status: no assertion criteria provided. Collection method: clinical testing. Allele origin: germline. Affected: yes. Study: VKGL Data-share Consensus. Not counted in ClinVar's aggregate classification.

Literature cited by the submitters: PubMed 26516846 (cited by Women's Health and Genetics/Laboratory Corporation of America, LabCorp); PubMed 27854218 (cited by Women's Health and Genetics/Laboratory Corporation of America, LabCorp).